The following is an entry in ClinVar:

NM_033028.5(BBS4):c.24+7G>A

Gene: BBS4 (Bardet-Biedl syndrome 4; plus strand). Cytogenetic location: 15q24.1.
Variant type: single nucleotide variant.
Coding change: c.24+7G>A on transcript NM_033028.5 (MANE Select); 7 bases into the intron after coding-DNA position 24, G replaced by A.
Molecular consequence: intron variant. On other transcripts: non-coding transcript variant (1).
Genome position (GRCh38, 1-based): chr15:72,686,258, G>A. VCF-style: chr15-72686258-G-A. GRCh37 (hg19) VCF-style: chr15-72978599-G-A.
Other names: c.24+7G>A (NM_001320665.2, NM_033028.4); c.-446+7G>A (NM_001252678.2).
Identifiers: ClinVar variation 1082208 (VCV001082208.12), dbSNP rs373861071, ClinGen allele CA7646422.

ClinVar aggregate classification (germline): Likely benign. Review status: criteria provided, multiple submitters, no conflicts (2 of 4 stars). 3 submissions from 3 submitters: Likely benign (2). 1 of the submissions does not count toward it. Last evaluated 2025-10-24.

Conditions:
BBS4-related disorder. Also called: BBS4-related condition.
Bardet-Biedl syndrome (BBS). Identifiers: Orphanet 110, MedGen C0752166, MONDO:0015229.

Allele frequency attached by ClinVar (database versions not stated): gnomAD 0.00001; ExAC 0.00004; TOPMed 0.00002; ESP Exome Variant Server 0.00008.
gnomAD v4.1: 12 of 1,564,822 alleles (0.00077%); highest among the groups gnomAD compares: Non-Finnish European, 0.00095%; no homozygotes.

Submissions (3):

Labcorp Genetics (formerly Invitae), Labcorp
Classification: Likely benign for Bardet-Biedl syndrome. Last evaluated: 2025-10-24. Review status: criteria provided, single submitter. Criteria: Invitae Variant Classification Sherloc (09022015). Collection method: clinical testing. Allele origin: germline.

Blueprint Genetics
Classification: Likely benign. Last evaluated: 2023-11-27. Review status: criteria provided, single submitter. Criteria: ACMG Guidelines, 2015. Collection method: clinical testing. Allele origin: germline.

PreventionGenetics, part of Exact Sciences
Classification: Likely benign for BBS4-related condition. Last evaluated: 2020-04-02. Review status: no assertion criteria provided. Collection method: clinical testing. Allele origin: germline. Not counted in ClinVar's aggregate classification.
Comment: This variant is classified as likely benign based on ACMG/AMP sequence variant interpretation guidelines (Richards et al. 2015 PMID: 25741868, with internal and published modifications).